The following is an entry in ClinVar:

NM_002332.3(LRP1):c.4361+6C>T

Genes: LRP1 (LDL receptor related protein 1; plus strand), LOC126861539 (CDK7 strongly-dependent group 2 enhancer GRCh37_chr12:57570347-57571546; plus strand). Cytogenetic location: 12q13.3.
Variant type: single nucleotide variant.
Coding change: c.4361+6C>T on transcript NM_002332.3 (MANE Select); 6 bases into the intron after coding-DNA position 4361, C replaced by T.
Molecular consequence: intron variant.
Genome position (GRCh38, 1-based): chr12:57,177,597, C>T. VCF-style: chr12-57177597-C-T. GRCh37 (hg19) VCF-style: chr12-57571380-C-T.
Identifiers: ClinVar variation 3053640 (VCV003053640.2), dbSNP rs199769118, ClinGen allele CA6643262.

ClinVar aggregate classification (germline): Likely benign (0 of 4 stars; one submission).

Conditions:
LRP1-related disorder. Also called: LRP1-related condition.

Allele frequency attached by ClinVar (database versions not stated): gnomAD exomes 0.00006; gnomAD 0.00013; TOPMed 0.00026; ExAC 0.00030; 1000 Genomes Project 0.00040; 1000 Genomes Project 30x 0.00047.
gnomAD v4.1: 109 of 1,613,474 alleles (0.0068%); highest among the groups gnomAD compares: East Asian, 0.19%; 1 homozygote.

Submission:

PreventionGenetics, part of Exact Sciences
Classification: Likely benign for LRP1-related condition. Last evaluated: 2019-08-29. Review status: no assertion criteria provided. Collection method: clinical testing. Allele origin: germline.
Comment: This variant is classified as likely benign based on ACMG/AMP sequence variant interpretation guidelines (Richards et al. 2015 PMID: 25741868, with internal and published modifications).